The following is an entry in ClinVar:

NM_001098.3(ACO2):c.2012G>A (p.Arg671Gln)

Genes: ACO2 (aconitase 2; plus strand), POLR3H (RNA polymerase III subunit H; minus strand). Cytogenetic location: 22q13.2.
Variant type: single nucleotide variant.
Coding change: c.2012G>A on transcript NM_001098.3 (MANE Select); coding-DNA position 2012, G replaced by A.
Protein change: p.Arg671Gln; replaces arginine 671 with glutamine.
Molecular consequence: missense variant. On other transcripts: 3 prime UTR variant (5).
Genome position (GRCh38, 1-based): chr22:41,527,346, G>A. VCF-style: chr22-41527346-G-A. GRCh37 (hg19) VCF-style: chr22-41923350-G-A.
Other names: ACO2, ARG671GLN (rs755024692); c.*1937C>T (NM_001018050.4, NM_001018052.4, NM_001282884.2 and 2 more transcripts); short protein forms R671Q.
Identifiers: ClinVar variation 1400671 (VCV001400671.11), dbSNP rs755024692, ClinGen allele CA10257860.
Genomic context (GRCh38, chr22:41,527,346, plus strand): 5'-AGAAACATGGCATCAGGTGGGTGGTGATCGGAGACGAGAACTACGGCGAGGGCTCGAGCC[G>A]GGAGCATGCAGCTCTGGAGCCTCGCCACCTTGGGGGCCGGGCCATCATCACCAAGAGCTT-3'
Protein context (NP_001089.1, residues 661-681): GDENYGEGSS[Arg671Gln]EHAALEPRHL

ClinVar aggregate classification (germline): Conflicting classifications of pathogenicity. Review status: criteria provided, conflicting classifications (1 of 4 stars). 4 submissions from 4 submitters: Pathogenic (1); Likely pathogenic (1); Uncertain significance (1). 1 of the submissions does not count toward it. Last evaluated 2025-04-02.

Conditions:
Optic atrophy 9 (OPA9). Identifiers: MedGen C4225384, MONDO:0014571, OMIM 616289.
ACO2-related disorder. Also called: ACO2-Related Disorders.

Allele frequency attached by ClinVar (database versions not stated): gnomAD exomes below 0.00001 and 0.00001; gnomAD 0.00001; ExAC 0.00002.
gnomAD v4.1: 8 of 1,614,042 alleles (0.0005%); highest among the groups gnomAD compares: African/African-American, 0.0013%; no homozygotes.

Submissions (4):

Labcorp Genetics (formerly Invitae), Labcorp
Classification: Pathogenic. Last evaluated: 2025-04-02. Review status: criteria provided, single submitter. Criteria: Invitae Variant Classification Sherloc (09022015). Collection method: clinical testing. Allele origin: germline.
Comment: This sequence change replaces arginine, which is basic and polar, with glutamine, which is neutral and polar, at codon 671 of the ACO2 protein (p.Arg671Gln). This variant is present in population databases (rs755024692, gnomAD 0.006%). This missense change has been observed in individuals with optic atrophy (PMID: 34056600). ClinVar contains an entry for this variant (Variation ID: 1400671). Invitae Evidence Modeling of protein sequence and biophysical properties (such as structural, functional, and spatial information, amino acid conservation, physicochemical variation, residue mobility, and thermodynamic stability) indicates that this missense variant is expected to disrupt ACO2 protein function with a positive predictive value of 80%. This variant disrupts the p.Arg671 amino acid residue in ACO2. Other variant(s) that disrupt this residue have been observed in individuals with ACO2-related conditions (PMID: 34056600), which suggests that this may be a clinically significant amino acid residue. For these reasons, this variant has been classified as Pathogenic.

GeneDx
Classification: Uncertain significance. Last evaluated: 2025-01-31. Review status: criteria provided, single submitter. Criteria: GeneDx Variant Classification Process June 2021. Collection method: clinical testing. Allele origin: germline. Affected: yes.
Comment: In silico analysis supports that this missense variant has a deleterious effect on protein structure/function; Not observed at significant frequency in large population cohorts (gnomAD); This variant is associated with the following publications: (PMID: 34056600, 38278202)

Blueprint Genetics
Classification: Likely pathogenic for ACO2-related disorders. Last evaluated: 2022-09-28. Review status: criteria provided, single submitter. Criteria: ACMG Guidelines, 2015. Collection method: clinical testing. Allele origin: germline. Affected: yes. Observed: 2 variant alleles.

OMIM
Classification: Pathogenic for OPTIC ATROPHY 9, AUTOSOMAL DOMINANT. Last evaluated: 2022-10-19. Review status: no assertion criteria provided. Collection method: literature only. Allele origin: germline. Not counted in ClinVar's aggregate classification.

Literature cited by the submitters: PubMed 34056600 (cited by Labcorp Genetics (formerly Invitae), Labcorp and OMIM).